The following is an entry in ClinVar:

NM_013447.4(ADGRE2):c.248C>T (p.Ser83Leu)

Gene: ADGRE2 (adhesion G protein-coupled receptor E2; minus strand). Cytogenetic location: 19p13.12.
Variant type: single nucleotide variant.
Coding change: c.248C>T on transcript NM_013447.4 (MANE Select); coding-DNA position 248, C replaced by T.
Protein change: p.Ser83Leu; replaces serine 83 with leucine.
Molecular consequence: missense variant.
Genome position (GRCh38, 1-based): chr19:14,772,449, G>A on the plus strand (C>T on the coding strand, the complement: ADGRE2 is on the minus strand). VCF-style: chr19-14772449-G-A. GRCh37 (hg19) VCF-style: chr19-14883261-G-A.
Other names: c.248C>T, p.Ser83Leu (NM_001271052.1); c.248C>T (NM_013447.2); short protein forms S83L.
Identifiers: ClinVar variation 1686326 (VCV001686326.7), dbSNP rs201617124, ClinGen allele CA9258231.

ClinVar aggregate classification (germline): Conflicting classifications of pathogenicity. Review status: criteria provided, conflicting classifications (1 of 4 stars). 3 submissions from 3 submitters: Uncertain significance (2); Benign (1). Last evaluated 2026-05-14.

Allele frequency attached by ClinVar (database versions not stated): gnomAD 0.00001 and 0.00003; gnomAD exomes 0.00004 and 0.00002; 1000 Genomes Project 0.00060; TOPMed 0.00002; ExAC 0.00004; 1000 Genomes Project 30x 0.00047.
gnomAD v4.1: 29 of 1,613,944 alleles (0.0018%); highest among the groups gnomAD compares: East Asian, 0.016%; no homozygotes.

Submissions (3):

Ambry Genetics
Classification: Uncertain significance. Last evaluated: 2026-05-14. Review status: criteria provided, single submitter. Criteria: Ambry Variant Classification Scheme 2023. Collection method: clinical testing. Allele origin: germline.

Labcorp Genetics (formerly Invitae), Labcorp
Classification: Uncertain significance. Last evaluated: 2025-10-01. Review status: criteria provided, single submitter. Criteria: Invitae Variant Classification Sherloc (09022015). Collection method: clinical testing. Allele origin: germline.
Comment: This sequence change replaces serine, which is neutral and polar, with leucine, which is neutral and non-polar, at codon 83 of the ADGRE2 protein (p.Ser83Leu). This variant is present in population databases (rs201617124, gnomAD 0.02%). This variant has not been reported in the literature in individuals affected with ADGRE2-related conditions. ClinVar contains an entry for this variant (Variation ID: 1686326). An algorithm developed to predict the effect of missense changes on protein structure and function outputs the following: PolyPhen-2: "Benign". The leucine amino acid residue is found in multiple mammalian species, which suggests that this missense change does not adversely affect protein function. In summary, the available evidence is currently insufficient to determine the role of this variant in disease. Therefore, it has been classified as a Variant of Uncertain Significance.

Mendelics
Classification: Benign. Last evaluated: 2022-05-04. Review status: criteria provided, single submitter. Criteria: Mendelics Assertion Criteria 2019. Collection method: clinical testing. Allele origin: germline.